The following is an entry in ClinVar:

ClinVar aggregate classification (germline): Uncertain significance. Review status: criteria provided, multiple submitters, no conflicts (2 of 4 stars). 2 submissions from 2 submitters: Uncertain significance (2). Last evaluated 2020-10-19.

Conditions:
Hereditary breast ovarian cancer syndrome. Also called: Breast and ovarian cancer; Hereditary breast and ovarian cancer syndrome; Hereditary breast and ovarian cancer; Hereditary breast and ovarian cancer syndrome (HBOC); Hereditary breast and/or ovarian cancer syndrome; BRCA1- and BRCA2-Associated Hereditary Breast and Ovarian Cancer. Identifiers: Orphanet 145, MedGen C0677776, MeSH D061325, MONDO:0003582. Disease mechanism: loss of function.
Hereditary cancer-predisposing syndrome. Also called: Hereditary Cancer Syndrome; Neoplastic Syndromes, Hereditary; Tumor predisposition; Hereditary neoplastic syndrome. Identifiers: Orphanet 140162, MedGen C0027672, MeSH D009386, MONDO:0015356.

Submissions (2):

Color Diagnostics, LLC DBA Color Health
Classification: Uncertain significance for Hereditary cancer-predisposing syndrome. Last evaluated: 2020-10-19. Review status: criteria provided, single submitter. Criteria: ACMG Guidelines, 2015. Collection method: clinical testing. Allele origin: germline.
Comment: This variant causes an in-frame deletion of a single amino acid, glutamic acid 1559, in BRCA1 protein. To our knowledge, functional studies have not been reported for this variant. This variant has not been reported in individuals affected with hereditary cancer in the literature. This variant has not been identified in the general population by the Genome Aggregation Database (gnomAD). The available evidence is insufficient to determine the role of this variant in disease conclusively. Therefore, this variant is classified as a Variant of Uncertain Significance.

Labcorp Genetics (formerly Invitae), Labcorp
Classification: Uncertain significance for Hereditary breast ovarian cancer syndrome. Last evaluated: 2017-08-13. Review status: criteria provided, single submitter. Criteria: Invitae Variant Classification Sherloc (09022015). Collection method: clinical testing. Allele origin: germline.
Comment: In summary, the available evidence is currently insufficient to determine the role of this variant in disease. Therefore, it has been classified as a Variant of Uncertain Significance. Experimental studies and prediction algorithms are not available for this variant, and the functional significance of the deleted amino acid is currently unknown. This variant has not been reported in the literature in individuals with BRCA1-related disease. This variant is not present in population databases (ExAC no frequency). This variant, c.4676_4678delAGG, results in the deletion of 1 amino acid of the BRCA1 protein (p.Glu1559del), but otherwise preserves the integrity of the reading frame.

NM_007294.3(BRCA1):c.4676_4678del

Gene: BRCA1 (BRCA1 DNA repair associated; minus strand). Cytogenetic location: 17q21.31.
Variant type: Deletion.
Coding change: c.4676_4678del on transcript NM_007294.3; coding-DNA positions 4676 to 4678, 3 bases deleted (AGG; older notation c.4676_4678delAGG).
Molecular consequence: intron variant (on NM_001408514.1).
Genome position (GRCh38, 1-based): chr17:43,071,236-43,071,238, CCT deleted on the plus strand (AGG on the coding strand, the reverse complement: BRCA1 is on the minus strand); deleting any 3 consecutive bases within chr17:43,071,236-43,071,239 gives the same sequence; the c. name uses the placement nearest the transcript's 3' end. VCF-style (leftmost placement, unchanged base first): chr17-43071235-CCCT-C. GRCh37 (hg19) VCF-style: chr17-41223252-CCCT-C.
Other names: c.839-7287_839-7285del (NM_001408514.1).
Identifiers: ClinVar variation 531370 (VCV000531370.10), dbSNP rs1555581108, ClinGen allele CA658798838.